The following is an entry in ClinVar:

NM_000455.5(STK11):c.291-1G>A

Gene: STK11 (serine/threonine kinase 11; plus strand). Cytogenetic location: 19p13.3.
Variant type: single nucleotide variant.
Coding change: c.291-1G>A on transcript NM_000455.5 (MANE Select); the canonical splice acceptor site of the intron before coding-DNA position 291, G replaced by A.
Molecular consequence: splice acceptor variant.
Genome position (GRCh38, 1-based): chr19:1,218,416, G>A. VCF-style: chr19-1218416-G-A. GRCh37 (hg19) VCF-style: chr19-1218415-G-A.
Other names: c.291-1G>A (NM_001407255.1).
Identifiers: ClinVar variation 821978 (VCV000821978.7), dbSNP rs112675807, ClinGen allele CA304024173.

ClinVar aggregate classification (germline): Pathogenic. Review status: criteria provided, multiple submitters, no conflicts (2 of 4 stars). 2 submissions from 2 submitters: Pathogenic (2). Last evaluated 2026-01-23.

Conditions:
Hereditary cancer-predisposing syndrome. Also called: Tumor predisposition; Neoplastic Syndromes, Hereditary; Hereditary Cancer Syndrome; Hereditary neoplastic syndrome. Identifiers: Orphanet 140162, MedGen C0027672, MeSH D009386, MONDO:0015356.
Familial ovarian cancer. Identifiers: MedGen C5679802, MONDO:0016248.

Submissions (2):

Ambry Genetics
Classification: Pathogenic for Hereditary cancer-predisposing syndrome. Last evaluated: 2026-01-23. Review status: criteria provided, single submitter. Criteria: Ambry Variant Classification Scheme 2023. Collection method: clinical testing. Allele origin: germline.
Comment: The c.291-1G>A intronic pathogenic mutation results from a G to A substitution one nucleotide upstream from coding exon 2 of the STK11 gene. This variant has been reported in one Chinese family with Peutz-Jeghers syndrome (Wang Z et al. Hum. Mutat., 2014 Jul;35:851-8). This variant is considered to be rare based on population cohorts in the Genome Aggregation Database (gnomAD). This nucleotide position is highly conserved in available vertebrate species. In silico splice site analysis predicts that this alteration will weaken the native splice acceptor site and will result in the creation or strengthening of a novel splice acceptor site. Variants that disrupt the canonical splice site are expected to cause aberrant splicing, resulting in an abnormal protein or a transcript that is subject to nonsense-mediated mRNA decay. As such, this variant is classified as a disease-causing mutation.

Department of Pathology and Laboratory Medicine, Sinai Health System
Classification: Pathogenic for familial ovarian cancer. Last evaluated: 2024-11-08. Review status: criteria provided, single submitter. Criteria: ACMG Guidelines, 2015. Collection method: clinical testing. Allele origin: germline.

Literature cited by the submitters: PubMed 24652667 (cited by Ambry Genetics and Department of Pathology and Laboratory Medicine, Sinai Health System).